The following is an entry in ClinVar:

NM_000465.4(BARD1):c.46T>G (p.Ser16Ala)

Gene: BARD1 (BRCA1 associated RING domain 1; minus strand). Cytogenetic location: 2q35.
Variant type: single nucleotide variant.
Coding change: c.46T>G on transcript NM_000465.4 (MANE Select); coding-DNA position 46, T replaced by G.
Protein change: p.Ser16Ala; replaces serine 16 with alanine.
Molecular consequence: missense variant. On other transcripts: non-coding transcript variant (3).
Genome position (GRCh38, 1-based): chr2:214,809,524, A>C on the plus strand (T>G on the coding strand, the complement: BARD1 is on the minus strand). VCF-style: chr2-214809524-A-C. GRCh37 (hg19) VCF-style: chr2-215674248-A-C.
Other names: c.46T>G, p.Ser16Ala (NM_001282543.2, NM_001282545.2, NM_001282548.2 and 1 more transcripts); short protein forms S16A.
Identifiers: ClinVar variation 3231799 (VCV003231799.1), dbSNP rs2469639726, ClinGen allele CA350465282.

ClinVar aggregate classification (germline): Uncertain significance (1 of 4 stars; one submission).

Conditions:
Hereditary cancer-predisposing syndrome. Also called: Neoplastic Syndromes, Hereditary; Tumor predisposition; Hereditary neoplastic syndrome; Hereditary Cancer Syndrome. Identifiers: Orphanet 140162, MedGen C0027672, MeSH D009386, MONDO:0015356.

Allele frequency attached by ClinVar (database versions not stated): gnomAD exomes below 0.00001.
gnomAD v4.1: 1 of 1,591,466 alleles (0.000063%); highest among the groups gnomAD compares: Admixed American, 0.0017%; no homozygotes.

Submission:

Ambry Genetics
Classification: Uncertain significance for Hereditary cancer-predisposing syndrome. Last evaluated: 2024-01-20. Review status: criteria provided, single submitter. Criteria: Ambry Variant Classification Scheme 2023. Collection method: clinical testing. Allele origin: germline.
Comment: The p.S16A variant (also known as c.46T>G), located in coding exon 1 of the BARD1 gene, results from a T to G substitution at nucleotide position 46. The serine at codon 16 is replaced by alanine, an amino acid with similar properties. This amino acid position is conserved. In addition, this alteration is predicted to be tolerated by in silico analysis. Based on the available evidence, the clinical significance of this alteration remains unclear.